The following is an entry in ClinVar:

NM_152703.5(SAMD9L):c.436G>A (p.Ala146Thr)

Gene: SAMD9L (sterile alpha motif domain containing 9 like; minus strand). Cytogenetic location: 7q21.2.
Variant type: single nucleotide variant.
Coding change: c.436G>A on transcript NM_152703.5 (MANE Select); coding-DNA position 436, G replaced by A.
Protein change: p.Ala146Thr; replaces alanine 146 with threonine.
Molecular consequence: missense variant.
Genome position (GRCh38, 1-based): chr7:93,135,536, C>T on the plus strand (G>A on the coding strand, the complement: SAMD9L is on the minus strand). VCF-style: chr7-93135536-C-T. GRCh37 (hg19) VCF-style: chr7-92764849-C-T.
Other names: c.436G>A, p.Ala146Thr (NM_001303496.3, NM_001303497.3, NM_001303498.3 and 5 more transcripts); short protein forms A146T.
Identifiers: ClinVar variation 3792380 (VCV003792380.1).

ClinVar aggregate classification (germline): Uncertain significance (1 of 4 stars; one submission).

Conditions:
Inborn genetic diseases. Identifiers: MedGen C0950123, MeSH D030342.

gnomAD v4.1: 6 of 1,613,852 alleles (0.00037%); highest among the groups gnomAD compares: African/African-American, 0.008%; no homozygotes.

Submission:

Ambry Genetics
Classification: Uncertain significance for Inborn genetic diseases. Last evaluated: 2025-02-02. Review status: criteria provided, single submitter. Criteria: Ambry Variant Classification Scheme 2023. Collection method: clinical testing. Allele origin: germline.
Comment: The p.A146T variant (also known as c.436G>A), located in coding exon 1 of the SAMD9L gene, results from a G to A substitution at nucleotide position 436. The alanine at codon 146 is replaced by threonine, an amino acid with similar properties. This amino acid position is conserved. In addition, this alteration is predicted to be tolerated by in silico analysis. Based on the available evidence, the clinical significance of this variant remains unclear.